The following is an entry in ClinVar:

ClinVar aggregate classification (germline): Uncertain significance. Review status: criteria provided, multiple submitters, no conflicts (2 of 4 stars). 2 submissions from 2 submitters: Uncertain significance (2). Last evaluated 2026-05-19.

Conditions:
PLXNA2-related disorder. Also called: PLXNA2-related condition.

gnomAD v4.1: 10 of 1,613,940 alleles (0.00062%); highest among the groups gnomAD compares: Admixed American, 0.0033%; no homozygotes.

Submissions (2):

PreventionGenetics, part of Exact Sciences
Classification: Uncertain significance for PLXNA2-related condition. Last evaluated: 2026-05-19. Review status: criteria provided, single submitter. Criteria: ACMG Guidelines, 2015. Collection method: clinical testing. Allele origin: germline.
Comment: The PLXNA2 c.2623C>T variant is predicted to result in premature protein termination (p.Arg875*). To our knowledge, this variant has not been reported in the literature. This variant is reported in 0.00088% of alleles in individuals of European (Non-Finnish) descent in gnomAD. Loss of function variants in PLXNA2, such as this nonsense variant, are not an established mechanism of disease. At this time, the clinical significance of this variant is uncertain due to the absence of conclusive functional and genetic evidence.

Labcorp Genetics (formerly Invitae), Labcorp
Classification: Uncertain significance. Last evaluated: 2024-05-06. Review status: criteria provided, single submitter. Criteria: Invitae Variant Classification Sherloc (09022015). Collection method: clinical testing. Allele origin: germline.
Comment: This sequence change creates a premature translational stop signal (p.Arg875*) in the PLXNA2 gene. It is expected to result in an absent or disrupted protein product. However, the current clinical and genetic evidence is not sufficient to establish whether loss-of-function variants in PLXNA2 cause disease. This variant is present in population databases (rs754005837, gnomAD 0.0009%). This variant has not been reported in the literature in individuals affected with PLXNA2-related conditions. In summary, the available evidence is currently insufficient to determine the role of this variant in disease. Therefore, it has been classified as a Variant of Uncertain Significance.

NM_025179.4(PLXNA2):c.2623C>T (p.Arg875Ter)

Gene: PLXNA2 (plexin A2; minus strand). Cytogenetic location: 1q32.2.
Variant type: single nucleotide variant.
Coding change: c.2623C>T on transcript NM_025179.4 (MANE Select); coding-DNA position 2623, C replaced by T.
Protein change: p.Arg875Ter; replaces arginine 875 with a stop codon.
Molecular consequence: nonsense.
Genome position (GRCh38, 1-based): chr1:208,060,801, G>A on the plus strand (C>T on the coding strand, the complement: PLXNA2 is on the minus strand). VCF-style: chr1-208060801-G-A. GRCh37 (hg19) VCF-style: chr1-208234146-G-A.
Other names: c.2623C>T (NM_025179.3); short protein forms R875*.
Identifiers: ClinVar variation 3609254 (VCV003609254.3).